The following is an entry in ClinVar:

NM_001037.5(SCN1B):c.17C>T (p.Ala6Val)

Gene: SCN1B (sodium voltage-gated channel beta subunit 1; plus strand). Cytogenetic location: 19q13.11.
Variant type: single nucleotide variant.
Coding change: c.17C>T on transcript NM_001037.5 (MANE Select); coding-DNA position 17, C replaced by T.
Protein change: p.Ala6Val; replaces alanine 6 with valine.
Molecular consequence: missense variant.
Genome position (GRCh38, 1-based): chr19:35,030,837, C>T. VCF-style: chr19-35030837-C-T. GRCh37 (hg19) VCF-style: chr19-35521741-C-T.
Other names: c.17C>T, p.Ala6Val (NM_199037.5); short protein forms A6V.
Identifiers: ClinVar variation 1780359 (VCV001780359.3), dbSNP rs2064208550, ClinGen allele CA405327814.

ClinVar aggregate classification (germline): Uncertain significance. Review status: criteria provided, multiple submitters, no conflicts (2 of 4 stars). 2 submissions from 2 submitters: Uncertain significance (2). Last evaluated 2023-09-06.

Conditions:
Cardiovascular phenotype. Identifiers: MedGen CN230736.

Submissions (2):

GeneDx
Classification: Uncertain significance. Last evaluated: 2023-09-06. Review status: criteria provided, single submitter. Criteria: GeneDx Variant Classification Process June 2021. Collection method: clinical testing. Allele origin: germline. Affected: yes.
Comment: Not observed at significant frequency in large population cohorts (gnomAD); In silico analysis supports that this missense variant does not alter protein structure/function; Has not been previously published as pathogenic or benign to our knowledge

Ambry Genetics
Classification: Uncertain significance for Cardiovascular phenotype. Last evaluated: 2017-09-20. Review status: criteria provided, single submitter. Criteria: Ambry Variant Classification Scheme 2023. Collection method: clinical testing. Allele origin: germline.
Comment: The p.A6V variant (also known as c.17C>T), located in coding exon 1 of the SCN1B gene, results from a C to T substitution at nucleotide position 17. The alanine at codon 6 is replaced by valine, an amino acid with similar properties. This amino acid position is highly conserved in available vertebrate species. In addition, the in silico prediction for this alteration is inconclusive. Since supporting evidence is limited at this time, the clinical significance of this alteration remains unclear.